The following is an entry in ClinVar:

NM_001394067.2(RAPGEF2):c.3657C>T (p.Ala1219=)

Gene: RAPGEF2 (Rap guanine nucleotide exchange factor 2; plus strand). Cytogenetic location: 4q32.1.
Variant type: single nucleotide variant.
Coding change: c.3657C>T on transcript NM_001394067.2 (MANE Select); coding-DNA position 3657, C replaced by T.
Protein change: p.Ala1219=; no amino-acid change (alanine 1219 retained).
Molecular consequence: synonymous variant.
Genome position (GRCh38, 1-based): chr4:159,346,943, C>T. VCF-style: chr4-159346943-C-T. GRCh37 (hg19) VCF-style: chr4-160268095-C-T.
Other names: c.3657C>T, p.Ala1219= (NM_001351724.5); c.3309C>T, p.Ala1103= (NM_001351725.2, NM_001351726.3); c.3174C>T, p.Ala1058= (NM_001351727.4, NM_001351728.4, NM_014247.5).
Identifiers: ClinVar variation 2655161 (VCV002655161.25), dbSNP rs61743704, ClinGen allele CA3124991.

ClinVar aggregate classification (germline): Likely benign. Review status: criteria provided, multiple submitters, no conflicts (2 of 4 stars). 2 submissions from 2 submitters: Likely benign (2). Last evaluated 2024-07-14.

Allele frequency attached by ClinVar (database versions not stated): gnomAD exomes 0.00025; ExAC 0.00105; gnomAD 0.00289; TOPMed 0.00325; ESP Exome Variant Server 0.00334; 1000 Genomes Project 30x 0.00468; 1000 Genomes Project 0.00479.

Submissions (2):

Blueprint Genetics
Classification: Likely benign. Last evaluated: 2024-07-14. Review status: criteria provided, single submitter. Criteria: ACMG Guidelines, 2015. Collection method: clinical testing. Allele origin: germline.

CeGaT Center for Human Genetics Tuebingen
Classification: Likely benign. Last evaluated: 2022-05-01. Review status: criteria provided, single submitter. Criteria: CeGaT Center For Human Genetics Tuebingen Variant Classification Criteria Version 2. Collection method: clinical testing. Allele origin: germline. Affected: yes. Observed: 1 variant allele.
Comment: RAPGEF2: BP4, BP7